The following is an entry in ClinVar:

ClinVar aggregate classification (germline): Pathogenic (1 of 4 stars; one submission).

Conditions:
Immunodeficiency, common variable, 1. Also called: ANTIBODY DEFICIENCY DUE TO ICOS DEFECT. Identifiers: Orphanet 1572, Orphanet 695183, MedGen C3149378, MONDO:0011864, OMIM 607594.

Submission:

Labcorp Genetics (formerly Invitae), Labcorp
Classification: Pathogenic for Immunodeficiency, common variable, 1. Last evaluated: 2024-06-12. Review status: criteria provided, single submitter. Criteria: Invitae Variant Classification Sherloc (09022015). Collection method: clinical testing. Allele origin: germline.
Comment: This sequence change creates a premature translational stop signal (p.Tyr106*) in the ICOS gene. It is expected to result in an absent or disrupted protein product. Loss-of-function variants in ICOS are known to be pathogenic (PMID: 11343122, 12577056, 19380800). This variant is not present in population databases (gnomAD no frequency). This variant has not been reported in the literature in individuals affected with ICOS-related conditions. ClinVar contains an entry for this variant (Variation ID: 1449576). For these reasons, this variant has been classified as Pathogenic.

Literature cited by the submitters: PubMed 11343122; PubMed 12577056; PubMed 19380800.

NM_012092.4(ICOS):c.318T>G (p.Tyr106Ter)

Gene: ICOS (inducible T cell costimulator; plus strand). Cytogenetic location: 2q33.2.
Variant type: single nucleotide variant.
Coding change: c.318T>G on transcript NM_012092.4 (MANE Select); coding-DNA position 318, T replaced by G.
Protein change: p.Tyr106Ter; replaces tyrosine 106 with a stop codon.
Molecular consequence: nonsense.
Genome position (GRCh38, 1-based): chr2:203,955,895, T>G. VCF-style: chr2-203955895-T-G. GRCh37 (hg19) VCF-style: chr2-204820618-T-G.
Other names: short protein forms Y106*.
Identifiers: ClinVar variation 1449576 (VCV001449576.6), dbSNP rs2105754294, ClinGen allele CA350140137.